The following is an entry in ClinVar:

ClinVar aggregate classification (germline): Likely benign. Review status: criteria provided, multiple submitters, no conflicts (2 of 4 stars). 2 submissions from 2 submitters: Likely benign (2). Last evaluated 2023-08-28.

Allele frequency attached by ClinVar (database versions not stated): gnomAD exomes 0.00004 and 0.00007; ExAC 0.00012; gnomAD 0.00031; TOPMed 0.00031; 1000 Genomes Project 30x 0.00062; 1000 Genomes Project 0.00080.
gnomAD v4.1: 108 of 1,550,826 alleles (0.007%); highest among the groups gnomAD compares: African/African-American, 0.12%; no homozygotes.

Submissions (2):

Labcorp Genetics (formerly Invitae), Labcorp
Classification: Likely benign. Last evaluated: 2023-08-28. Review status: criteria provided, single submitter. Criteria: Invitae Variant Classification Sherloc (09022015). Collection method: clinical testing. Allele origin: germline.

Laboratory for Molecular Medicine, Mass General Brigham Personalized Medicine
Classification: Likely benign. Last evaluated: 2017-12-21. Review status: criteria provided, single submitter. Criteria: LMM Criteria. Collection method: clinical testing. Allele origin: germline. Observed: 1 variant allele.
Comment: p.Ser614Ser in exon 16 of OTOG: This variant is not expected to have clinical si gnificance because it does not alter an amino acid residue and is not located wi thin the splice consensus sequence. It has been identified in 13/15390 African c hromosomes by the Genome Aggregation Database (gnomAD; dbSNP rs536715287). ACMG/AMP criteria: BP7.

NM_001292063.2(OTOG):c.1806C>T (p.Ser602=)

Gene: OTOG (otogelin; plus strand). Cytogenetic location: 11p15.1.
Variant type: single nucleotide variant.
Coding change: c.1806C>T on transcript NM_001292063.2 (MANE Select); coding-DNA position 1806, C replaced by T.
Protein change: p.Ser602=; no amino-acid change (serine 602 retained).
Molecular consequence: synonymous variant.
Genome position (GRCh38, 1-based): chr11:17,570,241, C>T. VCF-style: chr11-17570241-C-T. GRCh37 (hg19) VCF-style: chr11-17591788-C-T.
Other names: c.1842C>T, p.Ser614= (NM_001277269.2).
Identifiers: ClinVar variation 517545 (VCV000517545.13), dbSNP rs536715287, ClinGen allele CA5905540.